The following is an entry in ClinVar:

ClinVar aggregate classification (germline): Pathogenic/Likely pathogenic. Review status: criteria provided, multiple submitters, no conflicts (2 of 4 stars). 5 submissions from 5 submitters: Pathogenic (2); Likely pathogenic (2). 1 of the submissions does not count toward it. Last evaluated 2026-01-18.

Conditions:
WDR19-related disorder. Also called: WDR19-related disorders; WDR19-related condition. Identifiers: MedGen CN380161.
Cranioectodermal dysplasia 4 (CED4). Identifiers: Orphanet 1515, MedGen C3280616, MONDO:0013719, OMIM 614378.
Spermatogenic failure 72 (SPGF72). Identifiers: MedGen C5676980, MONDO:0030809, OMIM 619867.
Asphyxiating thoracic dystrophy 5 (SRTD5). Also called: SHORT-RIB THORACIC DYSPLASIA 5 WITH OR WITHOUT POLYDACTYLY; SHORT-RIB THORACIC DYSPLASIA 5 WITHOUT POLYDACTYLY. Identifiers: Orphanet 474, MedGen C3280598, MONDO:0013717, OMIM 614376.
Nephronophthisis 13 (NPHP13). Identifiers: Orphanet 655, MedGen C3280612, MONDO:0013718, OMIM 614377.
Senior-Loken syndrome 8 (SLSN8). Identifiers: Orphanet 3156, MedGen C4225376, MONDO:0014579, OMIM 616307.

Allele frequency attached by ClinVar (database versions not stated): gnomAD exomes below 0.00001; TOPMed 0.00002; gnomAD 0.00003 and 0.00004; ESP Exome Variant Server 0.00009.

Submissions (5):

Labcorp Genetics (formerly Invitae), Labcorp
Classification: Pathogenic for Senior-Loken syndrome 8; Asphyxiating thoracic dystrophy 5. Last evaluated: 2026-01-18. Review status: criteria provided, single submitter. Criteria: Invitae Variant Classification Sherloc (09022015). Collection method: clinical testing. Allele origin: germline.
Comment: This sequence change creates a premature translational stop signal (p.Pro375Serfs*3) in the WDR19 gene. It is expected to result in an absent or disrupted protein product. Loss-of-function variants in WDR19 are known to be pathogenic (PMID: 22019273, 23559409, 23683095, 26275793, 27241786, 29068549). This variant is present in population databases (no rsID available, gnomAD 0.002%). This variant has not been reported in the literature in individuals affected with WDR19-related conditions. ClinVar contains an entry for this variant (Variation ID: 1071987). For these reasons, this variant has been classified as Pathogenic.

GeneDx
Classification: Pathogenic. Last evaluated: 2026-01-15. Review status: criteria provided, single submitter. Criteria: GeneDx Variant Classification Process June 2021. Collection method: clinical testing. Allele origin: germline. Affected: yes.
Comment: Frameshift variant predicted to result in protein truncation or nonsense mediated decay in a gene for which loss of function is a known mechanism of disease; Not observed at significant frequency in large population cohorts (gnomAD); Has not been previously published as pathogenic or benign in association with WDR19-related ciliopathy to our knowledge; This variant is associated with the following publications: (PMID: 35368817, 31964843)

Fulgent Genetics
Classification: Likely pathogenic for Asphyxiating thoracic dystrophy 5; Nephronophthisis 13; Cranioectodermal dysplasia 4; Senior-Loken syndrome 8; Spermatogenic failure 72. Last evaluated: 2024-05-07. Review status: criteria provided, single submitter. Criteria: ACMG Guidelines, 2015. Collection method: clinical testing. Allele origin: germline.

Blueprint Genetics
Classification: Likely pathogenic for WDR19-related disorders. Last evaluated: 2021-12-01. Review status: criteria provided, single submitter. Criteria: ACMG Guidelines, 2015. Collection method: clinical testing. Allele origin: germline. Affected: yes. Observed: 4 variant alleles.

PreventionGenetics, part of Exact Sciences
Classification: Pathogenic for WDR19-related condition. Last evaluated: 2024-08-12. Review status: no assertion criteria provided. Collection method: clinical testing. Allele origin: germline. Not counted in ClinVar's aggregate classification.
Comment: The WDR19 c.1122_1123insT variant is predicted to result in a frameshift and premature protein termination (p.Pro375Serfs*3). This variant was reported in the compound heterozygous state in an individual with end-stage kidney disease (ESKD) (Bekheirnia et al. 2020. PubMed ID: 35368817). This variant is reported in 0.0017% of alleles in individuals of European (Non-Finnish) descent in gnomAD. Frameshift variants in WDR19 are expected to be pathogenic. This variant is interpreted as pathogenic.

Literature cited by the submitters: PubMed 22019273 (cited by Labcorp Genetics (formerly Invitae), Labcorp); PubMed 23559409 (cited by Labcorp Genetics (formerly Invitae), Labcorp); PubMed 23683095 (cited by Labcorp Genetics (formerly Invitae), Labcorp); PubMed 26275793 (cited by Labcorp Genetics (formerly Invitae), Labcorp); PubMed 27241786 (cited by Labcorp Genetics (formerly Invitae), Labcorp); PubMed 29068549 (cited by Labcorp Genetics (formerly Invitae), Labcorp).

NM_025132.4(WDR19):c.1122_1123insT (p.Pro375fs)

Gene: WDR19 (WD repeat domain 19; plus strand). Cytogenetic location: 4p14.
Variant type: Insertion.
Coding change: c.1122_1123insT on transcript NM_025132.4 (MANE Select); coding-DNA positions 1122 to 1123, T inserted.
Protein change: p.Pro375fs; shifts the reading frame from proline 375.
Molecular consequence: frameshift variant.
Genome position: GRCh38 VCF-style: chr4-39216001-C-CT. GRCh37 (hg19) VCF-style: chr4-39217621-C-CT.
Other names: c.1122_1123insT (NM_025132.3); c.642_643insT, p.Pro215fs (NM_001317924.2); short protein forms P215fs, P375fs.
Identifiers: ClinVar variation 1071987 (VCV001071987.11), dbSNP rs1353172956, ClinGen allele CA356630093.
Genomic context (GRCh38, chr4:39,216,001, plus strand): 5'-GGATGCCTGCAGCACAAGGATTGCCTATCTCACCTCCCTCCTTGAAGTCACCGTAGCCAA[C>CT]CCTGTTGAAGGAGTATGAAAATGGTGTTATTTTTCTTTTATTTATTAATAAAATAAGTTT-3'